The following is an entry in ClinVar:

NM_000512.5(GALNS):c.1475C>T (p.Ala492Val)

Genes: GALNS (galactosamine (N-acetyl)-6-sulfatase; minus strand), LOC126862447 (CDK7 strongly-dependent group 2 enhancer GRCh37_chr16:88884193-88885392; plus strand). Cytogenetic location: 16q24.3.
Variant type: single nucleotide variant.
Coding change: c.1475C>T on transcript NM_000512.5 (MANE Select); coding-DNA position 1475, C replaced by T.
Protein change: p.Ala492Val; replaces alanine 492 with valine.
Molecular consequence: missense variant.
Genome position (GRCh38, 1-based): chr16:88,818,014, G>A on the plus strand (C>T on the coding strand, the complement: GALNS is on the minus strand). VCF-style: chr16-88818014-G-A. GRCh37 (hg19) VCF-style: chr16-88884422-G-A.
Other names: c.920C>T, p.Ala307Val (NM_001323543.2); c.1493C>T, p.Ala498Val (NM_001323544.2); short protein forms A307V, A492V, A498V.
Identifiers: ClinVar variation 1443737 (VCV001443737.6), dbSNP rs141171091, ClinGen allele CA8234657.

ClinVar aggregate classification (germline): Uncertain significance. Review status: criteria provided, multiple submitters, no conflicts (2 of 4 stars). 3 submissions from 3 submitters: Uncertain significance (3). Last evaluated 2024-12-04.

Conditions:
Mucopolysaccharidosis, MPS-IV-A (MPS4A). Also called: Mucopolysaccharidosis type IV A; mucopolysaccharidosis type 4A; GALACTOSAMINE-6-SULFATASE DEFICIENCY; GALNS DEFICIENCY; MORQUIO A DISEASE; MPS IVA. Identifiers: Orphanet 309297, Orphanet 582, MedGen C0086651, MONDO:0009659, OMIM 253000.

Allele frequency attached by ClinVar (database versions not stated): gnomAD exomes 0.00002 and 0.00004; gnomAD 0.00003 and 0.00004; TOPMed 0.00003; ExAC 0.00008; 1000 Genomes Project 30x 0.00016; ESP Exome Variant Server 0.00016.
gnomAD v4.1: 36 of 1,581,410 alleles (0.0023%); highest among the groups gnomAD compares: Admixed American, 0.0035%; no homozygotes.

Submissions (3):

Labcorp Genetics (formerly Invitae), Labcorp
Classification: Uncertain significance for Mucopolysaccharidosis, MPS-IV-A. Last evaluated: 2024-12-04. Review status: criteria provided, single submitter. Criteria: Invitae Variant Classification Sherloc (09022015). Collection method: clinical testing. Allele origin: germline.
Comment: This sequence change replaces alanine, which is neutral and non-polar, with valine, which is neutral and non-polar, at codon 492 of the GALNS protein (p.Ala492Val). The frequency data for this variant in the population databases is considered unreliable, as metrics indicate poor data quality at this position in the gnomAD database. This variant has not been reported in the literature in individuals affected with GALNS-related conditions. ClinVar contains an entry for this variant (Variation ID: 1443737). Invitae Evidence Modeling of protein sequence and biophysical properties (such as structural, functional, and spatial information, amino acid conservation, physicochemical variation, residue mobility, and thermodynamic stability) has been performed for this missense variant. However, the output from this modeling did not meet the statistical confidence thresholds required to predict the impact of this variant on GALNS protein function. This variant disrupts the p.Ala492 amino acid residue in GALNS. Other variant(s) that disrupt this residue have been determined to be pathogenic (PMID: 24726177, 32860008). This suggests that this residue is clinically significant, and that variants that disrupt this residue are likely to be disease-causing. In summary, the available evidence is currently insufficient to determine the role of this variant in disease. Therefore, it has been classified as a Variant of Uncertain Significance.

Blueprint Genetics
Classification: Uncertain significance. Last evaluated: 2024-03-19. Review status: criteria provided, single submitter. Criteria: ACMG Guidelines, 2015. Collection method: clinical testing. Allele origin: germline.

Fulgent Genetics
Classification: Uncertain significance for Mucopolysaccharidosis, MPS-IV-A. Last evaluated: 2021-07-12. Review status: criteria provided, single submitter. Criteria: ACMG Guidelines, 2015. Collection method: clinical testing. Allele origin: unknown.

Literature cited by the submitters: PubMed 24726177 (cited by Labcorp Genetics (formerly Invitae), Labcorp); PubMed 32860008 (cited by Labcorp Genetics (formerly Invitae), Labcorp).